The following is an entry in ClinVar:

NM_000038.6(APC):c.7052C>T (p.Pro2351Leu)

Gene: APC (APC regulator of Wnt signaling pathway; plus strand). Cytogenetic location: 5q22.2.
Variant type: single nucleotide variant.
Coding change: c.7052C>T on transcript NM_000038.6 (MANE Select); coding-DNA position 7052, C replaced by T.
Protein change: p.Pro2351Leu; replaces proline 2351 with leucine.
Molecular consequence: missense variant. On other transcripts: non-coding transcript variant (2).
Genome position (GRCh38, 1-based): chr5:112,842,646, C>T. VCF-style: chr5-112842646-C-T. GRCh37 (hg19) VCF-style: chr5-112178343-C-T.
Other names: c.7052C>T, p.Pro2351Leu (NM_001127510.3, NM_001354895.2, NM_001407450.1); c.6998C>T, p.Pro2333Leu (NM_001127511.3); c.7106C>T, p.Pro2369Leu (NM_001354896.2, NM_001407447.1, NM_001407448.1 and 1 more transcripts); c.7082C>T, p.Pro2361Leu (NM_001354897.2); c.6977C>T, p.Pro2326Leu (NM_001354898.2); c.6968C>T, p.Pro2323Leu (NM_001354899.2); c.6929C>T, p.Pro2310Leu (NM_001354900.2); c.6875C>T, p.Pro2292Leu (NM_001354901.2, NM_001407453.1); and 11 more; short protein forms P2250L, P2268L, P2326L, P2351L, P2068L, P2222L, P2225L, P2333L.
Identifiers: ClinVar variation 3635510 (VCV003635510.2).
Genomic context (GRCh38, chr5:112,842,646, plus strand): 5'-CTGGTAGAAATGGAATAAGTCCTCCTAACAAATTATCTCAACTTCCAAGGACATCATCCC[C>T]TAGTACTGCTTCAACTAAGTCCTCAGGTTCTGGAAAAATGTCATATACATCTCCAGGTAG-3'
Protein context (NP_000029.2, residues 2341-2361): KLSQLPRTSS[Pro2351Leu]STASTKSSGS

ClinVar aggregate classification (germline): Uncertain significance (1 of 4 stars; one submission).

Conditions:
Familial adenomatous polyposis 1 (FAP1). Also called: FAMILIAL ADENOMATOUS POLYPOSIS 1, ATTENUATED; POLYPOSIS, ADENOMATOUS INTESTINAL. Identifiers: MedGen C2713442, MONDO:0021056, OMIM 175100. Disease mechanism: loss of function.

Submission:

Labcorp Genetics (formerly Invitae), Labcorp
Classification: Uncertain significance for Familial adenomatous polyposis 1. Last evaluated: 2024-04-25. Review status: criteria provided, single submitter. Criteria: Invitae Variant Classification Sherloc (09022015). Collection method: clinical testing. Allele origin: germline.
Comment: This sequence change replaces proline, which is neutral and non-polar, with leucine, which is neutral and non-polar, at codon 2351 of the APC protein (p.Pro2351Leu). This variant is not present in population databases (gnomAD no frequency). This variant has not been reported in the literature in individuals affected with APC-related conditions. Advanced modeling of protein sequence and biophysical properties (such as structural, functional, and spatial information, amino acid conservation, physicochemical variation, residue mobility, and thermodynamic stability) performed at Invitae indicates that this missense variant is not expected to disrupt APC protein function with a negative predictive value of 95%. In summary, the available evidence is currently insufficient to determine the role of this variant in disease. Therefore, it has been classified as a Variant of Uncertain Significance.